The following is an entry in ClinVar:

NM_000535.7(PMS2):c.2529T>C (p.Cys843=)

Gene: PMS2 (PMS1 homolog 2, mismatch repair system component; minus strand). Cytogenetic location: 7p22.1.
Variant type: single nucleotide variant.
Coding change: c.2529T>C on transcript NM_000535.7 (MANE Select); coding-DNA position 2529, T replaced by C.
Protein change: p.Cys843=; no amino-acid change (cysteine 843 retained).
Molecular consequence: synonymous variant. On other transcripts: non-coding transcript variant (1).
Genome position (GRCh38, 1-based): chr7:5,973,459, A>G on the plus strand (T>C on the coding strand, the complement: PMS2 is on the minus strand). VCF-style: chr7-5973459-A-G. GRCh37 (hg19) VCF-style: chr7-6013090-A-G.
Other names: c.2124T>C, p.Cys708= (NM_001322003.2, NM_001322004.2, NM_001322005.2); c.2373T>C, p.Cys791= (NM_001322006.2); c.2211T>C, p.Cys737= (NM_001322007.2, NM_001322008.2); c.2157T>C, p.Cys719= (NM_001322009.2); c.1968T>C, p.Cys656= (NM_001322010.2); c.1596T>C, p.Cys532= (NM_001322011.2, NM_001322012.2); c.1956T>C, p.Cys652= (NM_001322013.2); c.2562T>C, p.Cys854= (NM_001322014.2); and 1 more.
Identifiers: ClinVar variation 797745 (VCV000797745.12), dbSNP rs1583269331, ClinGen allele CA453642054.

ClinVar aggregate classification (germline): Benign/Likely benign. Review status: criteria provided, multiple submitters, no conflicts (2 of 4 stars). 3 submissions from 3 submitters: Benign (1); Likely benign (2). Last evaluated 2025-02-04.

Conditions:
Hereditary nonpolyposis colorectal neoplasms. Identifiers: MedGen C0009405, MeSH D003123.
Lynch syndrome 4 (LYNCH4). Also called: Hereditary non-polyposis colorectal cancer, type 4; Colorectal cancer, hereditary nonpolyposis, type 4. Identifiers: Orphanet 144, MedGen C1838333, MONDO:0013699, OMIM 614337. Disease mechanism: loss of function.
Hereditary cancer-predisposing syndrome. Also called: Neoplastic Syndromes, Hereditary; Hereditary neoplastic syndrome; Tumor predisposition; Hereditary Cancer Syndrome. Identifiers: Orphanet 140162, MedGen C0027672, MeSH D009386, MONDO:0015356.

Submissions (3):

Myriad Genetics, Inc.
Classification: Benign for Lynch syndrome 4. Last evaluated: 2025-02-04. Review status: criteria provided, single submitter. Criteria: Myriad Autosomal Dominant, Autosomal Recessive and X-Linked Classification Criteria (2023). Collection method: clinical testing. Allele origin: unknown.
Comment: This variant is considered benign. This variant is a silent/synonymous amino acid change and it is not expected to impact splicing.

Ambry Genetics
Classification: Likely benign for Hereditary cancer-predisposing syndrome. Last evaluated: 2024-09-08. Review status: criteria provided, single submitter. Criteria: Ambry Variant Classification Scheme 2023. Collection method: clinical testing. Allele origin: germline.

Labcorp Genetics (formerly Invitae), Labcorp
Classification: Likely benign for Hereditary nonpolyposis colorectal neoplasms. Last evaluated: 2019-01-01. Review status: criteria provided, single submitter. Criteria: Invitae Variant Classification Sherloc (09022015). Collection method: clinical testing. Allele origin: germline.